The following is an entry in ClinVar:

NM_001018005.2(TPM1):c.209A>C (p.Lys70Thr)

Gene: TPM1 (tropomyosin 1; plus strand). Cytogenetic location: 15q22.2.
Variant type: single nucleotide variant.
Coding change: c.209A>C on transcript NM_001018005.2 (MANE Select); coding-DNA position 209, A replaced by C.
Protein change: p.Lys70Thr; replaces lysine 70 with threonine.
Molecular consequence: missense variant. On other transcripts: intron variant (3).
Genome position (GRCh38, 1-based): chr15:63,044,121, A>C. VCF-style: chr15-63044121-A-C. GRCh37 (hg19) VCF-style: chr15-63336320-A-C.
Other names: c.209A>C, p.Lys70Thr (NM_001365776.1, NM_001365777.1, NM_001365779.1 and 3 more transcripts); c.335A>C, p.Lys112Thr (NM_001365778.1); c.240+290A>C (NM_001018020.2, NM_001018007.2, NM_001301244.2); short protein forms K70T, K112T.
Identifiers: ClinVar variation 31878 (VCV000031878.8), dbSNP rs199476307, ClinGen allele CA018715.

ClinVar aggregate classification (germline): Uncertain significance. Review status: criteria provided, multiple submitters, no conflicts (2 of 4 stars). 3 submissions from 3 submitters: Uncertain significance (2). 1 of the submissions does not count toward it. Last evaluated 2025-08-31.

Conditions:
Cardiovascular phenotype. Identifiers: MedGen CN230736.
Hypertrophic cardiomyopathy. Also called: HYPERTROPHIC MYOCARDIOPATHY. Identifiers: Orphanet 217569, MedGen C0007194, MeSH D002312, MONDO:0005045, HP:0001639.

Submissions (3):

Labcorp Genetics (formerly Invitae), Labcorp
Classification: Uncertain significance for Hypertrophic cardiomyopathy. Last evaluated: 2025-08-31. Review status: criteria provided, single submitter. Criteria: Invitae Variant Classification Sherloc (09022015). Collection method: clinical testing. Allele origin: germline.
Comment: This sequence change replaces lysine, which is basic and polar, with threonine, which is neutral and polar, at codon 70 of the TPM1 protein (p.Lys70Thr). This variant is not present in population databases (gnomAD no frequency). This missense change has been observed in individual(s) with mild hypertrophic cardiomyopathy (PMID: 8774330). ClinVar contains an entry for this variant (Variation ID: 31878). An algorithm developed to predict the effect of missense changes on protein structure and function (PolyPhen-2) suggests that this variant is likely to be tolerated. Experimental studies have shown that this missense change affects TPM1 function (PMID: 12900417, 15479242, 25241052). In summary, the available evidence is currently insufficient to determine the role of this variant in disease. Therefore, it has been classified as a Variant of Uncertain Significance.

Ambry Genetics
Classification: Uncertain significance for Cardiovascular phenotype. Last evaluated: 2019-06-14. Review status: criteria provided, single submitter. Criteria: Ambry Variant Classification Scheme 2023. Collection method: clinical testing. Allele origin: germline.

Leiden Muscular Dystrophy (TPM1)
No classification provided. Last evaluated: 2012-04-15. Review status: no classification provided. Collection method: curation. Allele origin: germline. Not counted in ClinVar's aggregate classification.

Literature cited by the submitters: PubMed 8774330 (cited by Labcorp Genetics (formerly Invitae), Labcorp); PubMed 12900417 (cited by Labcorp Genetics (formerly Invitae), Labcorp); PubMed 15479242 (cited by Labcorp Genetics (formerly Invitae), Labcorp); PubMed 25241052 (cited by Labcorp Genetics (formerly Invitae), Labcorp).